The following is an entry in ClinVar:

ClinVar aggregate classification (germline): Uncertain significance. Review status: criteria provided, multiple submitters, no conflicts (2 of 4 stars). 2 submissions from 2 submitters: Uncertain significance (2). Last evaluated 2025-06-24.

Conditions:
Gastrointestinal stromal tumor. Also called: Gastrointestinal stromal tumor, somatic; Gastrointestinal stroma tumor. Identifiers: Orphanet 44890, MedGen C0238198, MeSH D046152, MONDO:0011719, OMIM 606764, HP:0100723.
Hereditary cancer-predisposing syndrome. Also called: Neoplastic Syndromes, Hereditary; Tumor predisposition; Hereditary Cancer Syndrome; Hereditary neoplastic syndrome. Identifiers: Orphanet 140162, MedGen C0027672, MeSH D009386, MONDO:0015356.

Allele frequency attached by ClinVar (database versions not stated): gnomAD exomes below 0.00001; gnomAD 0.00001; TOPMed 0.00001.
gnomAD v4.1: 8 of 1,613,972 alleles (0.0005%); highest among the groups gnomAD compares: Non-Finnish European, 0.00068%; no homozygotes.

Submissions (2):

Labcorp Genetics (formerly Invitae), Labcorp
Classification: Uncertain significance for Gastrointestinal stromal tumor. Last evaluated: 2025-06-24. Review status: criteria provided, single submitter. Criteria: Invitae Variant Classification Sherloc (09022015). Collection method: clinical testing. Allele origin: germline.
Comment: This sequence change replaces leucine, which is neutral and non-polar, with methionine, which is neutral and non-polar, at codon 85 of the PDGFRA protein (p.Leu85Met). This variant is not present in population databases (gnomAD no frequency). This variant has not been reported in the literature in individuals affected with PDGFRA-related conditions. ClinVar contains an entry for this variant (Variation ID: 854904). Invitae Evidence Modeling of protein sequence and biophysical properties (such as structural, functional, and spatial information, amino acid conservation, physicochemical variation, residue mobility, and thermodynamic stability) indicates that this missense variant is not expected to disrupt PDGFRA protein function with a negative predictive value of 80%. In summary, the available evidence is currently insufficient to determine the role of this variant in disease. Therefore, it has been classified as a Variant of Uncertain Significance.

Ambry Genetics
Classification: Uncertain significance for Hereditary cancer-predisposing syndrome. Last evaluated: 2025-04-10. Review status: criteria provided, single submitter. Criteria: Ambry Variant Classification Scheme 2023. Collection method: clinical testing. Allele origin: germline.
Comment: The p.L85M variant (also known as c.253T>A), located in coding exon 2 of the PDGFRA gene, results from a T to A substitution at nucleotide position 253. The leucine at codon 85 is replaced by methionine, an amino acid with highly similar properties. This amino acid position is highly conserved in available vertebrate species. In addition, this alteration is predicted to be tolerated by in silico analysis. Based on the available evidence, the clinical significance of this variant remains unclear.

NM_006206.6(PDGFRA):c.253T>A (p.Leu85Met)

Gene: PDGFRA (platelet derived growth factor receptor alpha; plus strand). Cytogenetic location: 4q12.
Variant type: single nucleotide variant.
Coding change: c.253T>A on transcript NM_006206.6 (MANE Select); coding-DNA position 253, T replaced by A.
Protein change: p.Leu85Met; replaces leucine 85 with methionine.
Molecular consequence: missense variant.
Genome position (GRCh38, 1-based): chr4:54,261,298, T>A. VCF-style: chr4-54261298-T-A. GRCh37 (hg19) VCF-style: chr4-55127465-T-A.
Other names: c.253T>A, p.Leu85Met (NM_001347827.2, NM_001347829.2); c.328T>A, p.Leu110Met (NM_001347828.2); c.292T>A, p.Leu98Met (NM_001347830.2); short protein forms L110M, L85M, L98M.
Identifiers: ClinVar variation 854904 (VCV000854904.9), dbSNP rs1354007102, ClinGen allele CA356888659.